The following is an entry in ClinVar:

NM_004553.6(NDUFS6):c.7G>A (p.Ala3Thr)

Genes: MRPL36 (mitochondrial ribosomal protein L36; minus strand), NDUFS6 (NADH:ubiquinone oxidoreductase subunit S6; plus strand). Cytogenetic location: 5p15.33.
Variant type: single nucleotide variant.
Coding change: c.7G>A on transcript NM_004553.6 (MANE Select); coding-DNA position 7, G replaced by A.
Protein change: p.Ala3Thr; replaces alanine 3 with threonine.
Molecular consequence: missense variant.
Genome position (GRCh38, 1-based): chr5:1,801,424, G>A. VCF-style: chr5-1801424-G-A. GRCh37 (hg19) VCF-style: chr5-1801538-G-A.
Other names: c.7G>A (NM_004553.4); short protein forms A3T.
Identifiers: ClinVar variation 3764188 (VCV003764188.2).

ClinVar aggregate classification (germline): Uncertain significance. Review status: criteria provided, multiple submitters, no conflicts (2 of 4 stars). 2 submissions from 2 submitters: Uncertain significance (2). Last evaluated 2025-08-28.

Conditions:
Inborn genetic diseases. Identifiers: MedGen C0950123, MeSH D030342.

gnomAD v4.1: 7 of 1,605,232 alleles (0.00044%); highest among the groups gnomAD compares: African/African-American, 0.0094%; no homozygotes.

Submissions (2):

Ambry Genetics
Classification: Uncertain significance for Inborn genetic diseases. Last evaluated: 2025-08-28. Review status: criteria provided, single submitter. Criteria: Ambry Variant Classification Scheme 2023. Collection method: clinical testing. Allele origin: germline.

GeneDx
Classification: Uncertain significance. Last evaluated: 2024-08-21. Review status: criteria provided, single submitter. Criteria: GeneDx Variant Classification Process June 2021. Collection method: clinical testing. Allele origin: germline. Affected: yes.
Comment: Has not been previously published as pathogenic or benign to our knowledge; Not observed at significant frequency in large population cohorts (gnomAD); In silico analysis indicates that this missense variant does not alter protein structure/function